The following is an entry in ClinVar:

NM_002691.4(POLD1):c.1081G>A (p.Ala361Thr)

Gene: POLD1 (DNA polymerase delta 1, catalytic subunit; plus strand). Cytogenetic location: 19q13.33.
Variant type: single nucleotide variant.
Coding change: c.1081G>A on transcript NM_002691.4 (MANE Select); coding-DNA position 1081, G replaced by A.
Protein change: p.Ala361Thr; replaces alanine 361 with threonine.
Molecular consequence: missense variant. On other transcripts: non-coding transcript variant (1).
Genome position (GRCh38, 1-based): chr19:50,403,163, G>A. VCF-style: chr19-50403163-G-A. GRCh37 (hg19) VCF-style: chr19-50906420-G-A.
Other names: c.1081G>A, p.Ala361Thr (NM_001256849.1, NM_001308632.1); short protein forms A361T.
Identifiers: ClinVar variation 2754781 (VCV002754781.3), dbSNP rs2513973748, ClinGen allele CA406978286.

ClinVar aggregate classification (germline): Uncertain significance (1 of 4 stars; one submission).

Conditions:
POLD1-related polyposis and colorectal cancer syndrome (CRCS10). Also called: Colorectal cancer 10; Colorectal cancer, susceptibility to, 10; COLORECTAL CANCER, SUSCEPTIBILITY TO, ON CHROMOSOME 19q. Identifiers: Orphanet 220460, MedGen C2675481, MONDO:0012953, OMIM 612591.

Allele frequency attached by ClinVar (database versions not stated): gnomAD exomes below 0.00001.
gnomAD v4.1: 1 of 1,562,280 alleles (0.000064%); highest among the groups gnomAD compares: Non-Finnish European, 0.000087%; no homozygotes.

Submission:

Labcorp Genetics (formerly Invitae), Labcorp
Classification: Uncertain significance for POLD1-related polyposis and colorectal cancer syndrome. Last evaluated: 2023-08-24. Review status: criteria provided, single submitter. Criteria: Invitae Variant Classification Sherloc (09022015). Collection method: clinical testing. Allele origin: germline.
Comment: In summary, the available evidence is currently insufficient to determine the role of this variant in disease. Therefore, it has been classified as a Variant of Uncertain Significance. Advanced modeling of protein sequence and biophysical properties (such as structural, functional, and spatial information, amino acid conservation, physicochemical variation, residue mobility, and thermodynamic stability) performed at Invitae indicates that this missense variant is not expected to disrupt POLD1 protein function. This variant has not been reported in the literature in individuals affected with POLD1-related conditions. This variant is not present in population databases (gnomAD no frequency). This sequence change replaces alanine, which is neutral and non-polar, with threonine, which is neutral and polar, at codon 361 of the POLD1 protein (p.Ala361Thr).